The following is an entry in ClinVar:

ClinVar aggregate classification (germline): Uncertain significance (1 of 4 stars; one submission).

gnomAD v4.1: 3 of 1,614,128 alleles (0.00019%); highest among the groups gnomAD compares: Non-Finnish European, 0.00025%; no homozygotes.

Submission:

Labcorp Genetics (formerly Invitae), Labcorp
Classification: Uncertain significance. Last evaluated: 2025-04-19. Review status: criteria provided, single submitter. Criteria: Invitae Variant Classification Sherloc (09022015). Collection method: clinical testing. Allele origin: germline.
Comment: This sequence change replaces valine, which is neutral and non-polar, with leucine, which is neutral and non-polar, at codon 60 of the COPB2 protein (p.Val60Leu). This variant is not present in population databases (gnomAD no frequency). This variant has not been reported in the literature in individuals affected with COPB2-related conditions. An algorithm developed to predict the effect of missense changes on protein structure and function (PolyPhen-2) suggests that this variant is likely to be disruptive. In summary, the available evidence is currently insufficient to determine the role of this variant in disease. Therefore, it has been classified as a Variant of Uncertain Significance.

NM_004766.3(COPB2):c.178G>C (p.Val60Leu)

Gene: COPB2 (coat protein complex I subunit beta 2; minus strand). Cytogenetic location: 3q23.
Variant type: single nucleotide variant.
Coding change: c.178G>C on transcript NM_004766.3 (MANE Select); coding-DNA position 178, G replaced by C.
Protein change: p.Val60Leu; replaces valine 60 with leucine.
Molecular consequence: missense variant. On other transcripts: non-coding transcript variant (1).
Genome position (GRCh38, 1-based): chr3:139,379,430, C>G on the plus strand (G>C on the coding strand, the complement: COPB2 is on the minus strand). VCF-style: chr3-139379430-C-G. GRCh37 (hg19) VCF-style: chr3-139098272-C-G.
Other names: c.91G>C, p.Val31Leu (NM_001410834.1); short protein forms V60L, V31L.
Identifiers: ClinVar variation 4771690 (VCV004771690.1).